The following is an entry in ClinVar:

NM_213649.2(SFXN4):c.819-325G>A

Gene: SFXN4 (sideroflexin 4; minus strand). Cytogenetic location: 10q26.11.
Variant type: single nucleotide variant.
Coding change: c.819-325G>A on transcript NM_213649.2 (MANE Select); 325 bases into the intron before coding-DNA position 819, G replaced by A.
Molecular consequence: intron variant.
Genome position (GRCh38, 1-based): chr10:119,146,678, C>T on the plus strand (G>A on the coding strand, the complement: SFXN4 is on the minus strand). VCF-style: chr10-119146678-C-T. GRCh37 (hg19) VCF-style: chr10-120906190-C-T.
Identifiers: ClinVar variation 683834 (VCV000683834.1), dbSNP rs4752253, ClinGen allele CA13171070.

ClinVar aggregate classification (germline): Benign (1 of 4 stars; one submission).

Allele frequency attached by ClinVar (database versions not stated): 1000 Genomes Project 30x 0.17552; 1000 Genomes Project 0.18071; gnomAD 0.18423 and 0.18683; TOPMed 0.19047.
gnomAD v4.1: 28,397 of 152,022 alleles (19%); highest among the groups gnomAD compares: Admixed American, 25%; 2,857 homozygotes.

Submission:

GeneDx
Classification: Benign. Last evaluated: 2018-06-14. Review status: criteria provided, single submitter. Criteria: GeneDx Variant Classification (06012015). Collection method: clinical testing. Allele origin: germline. Affected: yes.
Comment: This variant is considered likely benign or benign based on one or more of the following criteria: it is a conservative change, it occurs at a poorly conserved position in the protein, it is predicted to be benign by multiple in silico algorithms, and/or has population frequency not consistent with disease.